The following is an entry in ClinVar:

ClinVar aggregate classification (germline): Uncertain significance. Review status: criteria provided, multiple submitters, no conflicts (2 of 4 stars). 2 submissions from 2 submitters: Uncertain significance (2). Last evaluated 2026-01-05.

Allele frequency attached by ClinVar (database versions not stated): ExAC 0.00020; 1000 Genomes Project 30x 0.00031; 1000 Genomes Project 0.00020; gnomAD 0.00011.

Submissions (2):

Labcorp Genetics (formerly Invitae), Labcorp
Classification: Uncertain significance. Last evaluated: 2026-01-05. Review status: criteria provided, single submitter. Criteria: Invitae Variant Classification Sherloc (09022015). Collection method: clinical testing. Allele origin: germline.
Comment: This sequence change replaces arginine, which is basic and polar, with histidine, which is basic and polar, at codon 734 of the NLGN2 protein (p.Arg734His). This variant is present in population databases (rs569531527, gnomAD 0.06%). This variant has not been reported in the literature in individuals affected with NLGN2-related conditions. ClinVar contains an entry for this variant (Variation ID: 2377521). An algorithm developed to predict the effect of missense changes on protein structure and function (PolyPhen-2) suggests that this variant is likely to be tolerated. In summary, the available evidence is currently insufficient to determine the role of this variant in disease. Therefore, it has been classified as a Variant of Uncertain Significance.

Ambry Genetics
Classification: Uncertain significance. Last evaluated: 2025-05-21. Review status: criteria provided, single submitter. Criteria: Ambry Variant Classification Scheme 2023. Collection method: clinical testing. Allele origin: germline.

NM_020795.4(NLGN2):c.2201G>A (p.Arg734His)

Gene: NLGN2 (neuroligin 2; plus strand). Cytogenetic location: 17p13.1.
Variant type: single nucleotide variant.
Coding change: c.2201G>A on transcript NM_020795.4 (MANE Select); coding-DNA position 2201, G replaced by A.
Protein change: p.Arg734His; replaces arginine 734 with histidine.
Molecular consequence: missense variant.
Genome position (GRCh38, 1-based): chr17:7,417,492, G>A. VCF-style: chr17-7417492-G-A. GRCh37 (hg19) VCF-style: chr17-7320811-G-A.
Other names: short protein forms R734H.
Identifiers: ClinVar variation 2377521 (VCV002377521.6), dbSNP rs569531527, ClinGen allele CA8346250.